The following is an entry in ClinVar:

ClinVar aggregate classification (germline): Uncertain significance (1 of 4 stars; one submission).

Conditions:
Congenital myasthenic syndrome 2A. Also called: Myasthenic syndrome, congenital, 2a, slow-channel. Identifiers: Orphanet 590, MedGen C4225374, MONDO:0014581, OMIM 616313.

Allele frequency attached by ClinVar (database versions not stated): TOPMed below 0.00001; gnomAD 0.00001; ExAC 0.00002; gnomAD exomes 0.00002 and 0.00004.

Submission:

Labcorp Genetics (formerly Invitae), Labcorp
Classification: Uncertain significance for Congenital myasthenic syndrome 2A. Last evaluated: 2022-09-07. Review status: criteria provided, single submitter. Criteria: Invitae Variant Classification Sherloc (09022015). Collection method: clinical testing. Allele origin: germline.
Comment: In summary, the available evidence is currently insufficient to determine the role of this variant in disease. Therefore, it has been classified as a Variant of Uncertain Significance. Algorithms developed to predict the effect of missense changes on protein structure and function are either unavailable or do not agree on the potential impact of this missense change (SIFT: "Tolerated"; PolyPhen-2: "Possibly Damaging"; Align-GVGD: "Class C0"). ClinVar contains an entry for this variant (Variation ID: 1428635). This variant has not been reported in the literature in individuals affected with CHRNB1-related conditions. This variant is present in population databases (rs767799511, gnomAD 0.03%). This sequence change replaces arginine, which is basic and polar, with proline, which is neutral and non-polar, at codon 29 of the CHRNB1 protein (p.Arg29Pro).

NM_000747.3(CHRNB1):c.86G>C (p.Arg29Pro)

Gene: CHRNB1 (cholinergic receptor nicotinic beta 1 subunit; plus strand). Cytogenetic location: 17p13.1.
Variant type: single nucleotide variant.
Coding change: c.86G>C on transcript NM_000747.3 (MANE Select); coding-DNA position 86, G replaced by C.
Protein change: p.Arg29Pro; replaces arginine 29 with proline.
Molecular consequence: missense variant.
Genome position (GRCh38, 1-based): chr17:7,445,297, G>C. VCF-style: chr17-7445297-G-C. GRCh37 (hg19) VCF-style: chr17-7348616-G-C.
Other names: short protein forms R29P.
Identifiers: ClinVar variation 1428635 (VCV001428635.6), dbSNP rs767799511, ClinGen allele CA8347632.
Genomic context (GRCh38, chr17:7,445,297, plus strand): 5'-CACCAGGGCTGCACTTATTCTCTCCTCCCCCAGGCGTCCGCGGCTCGGAGGCGGAGGGTC[G>C]ACTCCGGGAGAAACTTTTCTCTGGCTATGATAGCTCCGTGCGGCCAGCGCGGGAGGTGGG-3'
Protein context (NP_000738.2, residues 19-39): PGVRGSEAEG[Arg29Pro]LREKLFSGYD